The following is an entry in ClinVar:

NM_139027.6(ADAMTS13):c.1192C>T (p.Arg398Cys)

Gene: ADAMTS13 (ADAM metallopeptidase with thrombospondin type 1 motif 13; plus strand). Cytogenetic location: 9q34.2.
Variant type: single nucleotide variant.
Coding change: c.1192C>T on transcript NM_139027.6 (MANE Select); coding-DNA position 1192, C replaced by T.
Protein change: p.Arg398Cys; replaces arginine 398 with cysteine.
Molecular consequence: missense variant.
Genome position (GRCh38, 1-based): chr9:133,433,477, C>T. VCF-style: chr9-133433477-C-T. GRCh37 (hg19) VCF-style: chr9-136298597-C-T.
Other names: c.1192C>T, p.Arg398Cys (NM_139025.5); c.1099C>T, p.Arg367Cys (NM_139026.6); short protein forms R367C, R398C.
Identifiers: ClinVar variation 1700239 (VCV001700239.6), dbSNP rs376606652, ClinGen allele CA200926963.

ClinVar aggregate classification (germline): Likely pathogenic. Review status: criteria provided, multiple submitters, no conflicts (2 of 4 stars). 3 submissions from 3 submitters: Likely pathogenic (3). Last evaluated 2026-03-24.

Conditions:
Upshaw-Schulman syndrome (TTP). Also called: Congenital thrombotic thrombocytopenic purpura; THROMBOTIC THROMBOCYTOPENIC PURPURA, HEREDITARY. Identifiers: Orphanet 93583, MedGen C1268935, MONDO:0010122, OMIM 274150.

Allele frequency attached by ClinVar (database versions not stated): ExAC 0.00002; gnomAD exomes below 0.00001 and 0.00001.
gnomAD v4.1: 6 of 1,613,584 alleles (0.00037%); highest among the groups gnomAD compares: Admixed American, 0.0017%; no homozygotes.

Submissions (3):

Dasa
Classification: Likely pathogenic. Last evaluated: 2026-03-24. Review status: criteria provided, single submitter. Criteria: DASA Assertion Criteria. Collection method: clinical testing. Allele origin: germline.
Comment: NM_139027.6(ADAMTS13):c.1192C>T (p.Arg398Cys) is a missense variant that results in the substitution of arginine with cysteine. The affected residue or protein region has prior evidence supporting clinical relevance. This variant has been recurrently observed in individuals with ADAMTS13-related disorders (PMID: 22783805; PMID: 22264931). Functional evidence supports an impact on the gene or gene product (PMID: 39903133; PMID: 22783805; PMID: 22264931). Also, this variant is rare in population databases. Based on the currently available evidence, this variant is classified as likely pathogenic.

First Genomix Gene Laboratory, Genetic Diagnostics Department
Classification: Likely pathogenic for Upshaw-Schulman syndrome. Last evaluated: 2025-06-11. Review status: criteria provided, single submitter. Criteria: ACMG Guidelines, 2015. Collection method: clinical testing. Allele origin: germline. Inheritance: Autosomal recessive inheritance. Affected: no.

Kasturba Medical College, Manipal, Kasturba Medical College, Manipal, Manipal Academy of Higher Education, Manipal, India
Classification: Likely pathogenic for Upshaw-Schulman syndrome. Review status: criteria provided, single submitter. Criteria: ACMG Guidelines, 2015. Collection method: clinical testing. Allele origin: paternal. Inheritance: Autosomal recessive inheritance. Affected: yes. Observed: 1 compound heterozygote.

Literature cited by the submitters: PubMed 39903133 (cited by Dasa); PubMed 22783805 (cited by Dasa and Kasturba Medical College, Manipal, Kasturba Medical College, Manipal, Manipal Academy of Higher Education, Manipal, India); PubMed 22264931 (cited by Dasa).